The following is an entry in ClinVar:

ClinVar aggregate classification (germline): Conflicting classifications of pathogenicity. Review status: criteria provided, conflicting classifications (1 of 4 stars). 2 submissions from 2 submitters: Uncertain significance (1); Likely benign (1). Last evaluated 2022-04-01.

Conditions:
Autoimmune lymphoproliferative syndrome type 1. Also called: AUTOIMMUNE LYMPHOPROLIFERATIVE SYNDROME, TYPE I, AUTOSOMAL DOMINANT. Identifiers: Orphanet 3261, MedGen C2717884, MONDO:0011158, OMIM 601859.

Allele frequency attached by ClinVar (database versions not stated): gnomAD 0.00001; gnomAD exomes 0.00002 and 0.00003; TOPMed 0.00003; ExAC 0.00006; ESP Exome Variant Server 0.00008.
gnomAD v4.1: 31 of 1,608,252 alleles (0.0019%); highest among the groups gnomAD compares: East Asian, 0.0067%; 1 homozygote.

Submissions (2):

Labcorp Genetics (formerly Invitae), Labcorp
Classification: Uncertain significance for Autoimmune lymphoproliferative syndrome. Last evaluated: 2022-04-01. Review status: criteria provided, single submitter. Criteria: Invitae Variant Classification Sherloc (09022015). Collection method: clinical testing. Allele origin: germline.
Comment: This sequence change replaces proline, which is neutral and non-polar, with leucine, which is neutral and non-polar, at codon 57 of the FASLG protein (p.Pro57Leu). This variant is present in population databases (rs149883274, gnomAD 0.01%), including at least one homozygous and/or hemizygous individual. This variant has not been reported in the literature in individuals affected with FASLG-related conditions. ClinVar contains an entry for this variant (Variation ID: 942486). Algorithms developed to predict the effect of missense changes on protein structure and function output the following: SIFT: "Deleterious"; PolyPhen-2: "Benign"; Align-GVGD: "Class C0". The leucine amino acid residue is found in multiple mammalian species, which suggests that this missense change does not adversely affect protein function. In summary, the available evidence is currently insufficient to determine the role of this variant in disease. Therefore, it has been classified as a Variant of Uncertain Significance.

Blueprint Genetics
Classification: Likely benign. Last evaluated: 2021-07-12. Review status: criteria provided, single submitter. Criteria: ACMG Guidelines, 2015. Collection method: clinical testing. Allele origin: germline.

NM_000639.3(FASLG):c.170C>T (p.Pro57Leu)

Gene: FASLG (Fas ligand; plus strand). Cytogenetic location: 1q24.3.
Variant type: single nucleotide variant.
Coding change: c.170C>T on transcript NM_000639.3 (MANE Select); coding-DNA position 170, C replaced by T.
Protein change: p.Pro57Leu; replaces proline 57 with leucine.
Molecular consequence: missense variant.
Genome position (GRCh38, 1-based): chr1:172,659,371, C>T. VCF-style: chr1-172659371-C-T. GRCh37 (hg19) VCF-style: chr1-172628511-C-T.
Other names: c.170C>T, p.Pro57Leu (NM_001302746.2); short protein forms P57L.
Identifiers: ClinVar variation 942486 (VCV000942486.5), dbSNP rs149883274, ClinGen allele CA1247466.
Genomic context (GRCh38, chr1:172,659,371, plus strand): 5'-CCAGAAGGCCTGGTCAAAGGAGGCCACCACCACCACCGCCACCGCCACCACTACCACCTC[C>T]GCCGCCGCCGCCACCACTGCCTCCACTACCGCTGCCACCCCTGAAGAAGAGAGGGAACCA-3'
Protein context (NP_000630.1, residues 47-67): PPPPPPPLPP[Pro57Leu]PPPPPLPPLP